The following is an entry in ClinVar:

NM_001035.3(RYR2):c.7732G>C (p.Gly2578Arg)

Gene: RYR2 (ryanodine receptor 2; plus strand). Cytogenetic location: 1q43.
Variant type: single nucleotide variant.
Coding change: c.7732G>C on transcript NM_001035.3 (MANE Select); coding-DNA position 7732, G replaced by C.
Protein change: p.Gly2578Arg; replaces glycine 2578 with arginine.
Molecular consequence: missense variant.
Genome position (GRCh38, 1-based): chr1:237,650,096, G>C. VCF-style: chr1-237650096-G-C. GRCh37 (hg19) VCF-style: chr1-237813396-G-C.
Other names: short protein forms G2578R.
Identifiers: ClinVar variation 1760365 (VCV001760365.2), dbSNP rs2547038529, ClinGen allele CA345399441.

ClinVar aggregate classification (germline): Uncertain significance (1 of 4 stars; one submission).

Conditions:
Cardiovascular phenotype. Identifiers: MedGen CN230736.

Allele frequency attached by ClinVar (database versions not stated): gnomAD exomes below 0.00001.
gnomAD v4.1: 1 of 1,612,142 alleles (0.000062%); highest among the groups gnomAD compares: East Asian, 0.0022%; no homozygotes.

Submission:

Ambry Genetics
Classification: Uncertain significance for Cardiovascular phenotype. Last evaluated: 2022-10-13. Review status: criteria provided, single submitter. Criteria: Ambry Variant Classification Scheme 2023. Collection method: clinical testing. Allele origin: germline.
Comment: The p.G2578R variant (also known as c.7732G>C), located in coding exon 50 of the RYR2 gene, results from a G to C substitution at nucleotide position 7732. The glycine at codon 2578 is replaced by arginine, an amino acid with dissimilar properties. This amino acid position is well conserved in available vertebrate species. In addition, this alteration is predicted to be deleterious by in silico analysis. Since supporting evidence is limited at this time, the clinical significance of this alteration remains unclear.